The following is an entry in ClinVar:

NM_001376.5(DYNC1H1):c.13852C>T (p.Leu4618Phe)

Gene: DYNC1H1 (dynein cytoplasmic 1 heavy chain 1; plus strand). Cytogenetic location: 14q32.31.
Variant type: single nucleotide variant.
Coding change: c.13852C>T on transcript NM_001376.5 (MANE Select); coding-DNA position 13852, C replaced by T.
Protein change: p.Leu4618Phe; replaces leucine 4618 with phenylalanine.
Molecular consequence: missense variant.
Genome position (GRCh38, 1-based): chr14:102,050,474, C>T. VCF-style: chr14-102050474-C-T. GRCh37 (hg19) VCF-style: chr14-102516811-C-T.
Other names: short protein forms L4618F.
Identifiers: ClinVar variation 5003157 (VCV005003157.1).

ClinVar aggregate classification (germline): Uncertain significance (1 of 4 stars; one submission).

Conditions:
Autosomal dominant childhood-onset proximal spinal muscular atrophy without contractures. Also called: SPINAL MUSCULAR ATROPHY, JUVENILE, PROXIMAL, AUTOSOMAL DOMINANT; Spinal muscular atrophy, lower extremity-predominant 1, AD; KUGELBERG-WELANDER SYNDROME, AUTOSOMAL DOMINANT; SPINAL MUSCULAR ATROPHY, CHILDHOOD, PROXIMAL, AUTOSOMAL DOMINANT. Identifiers: Orphanet 209341, Orphanet 363447, MedGen C5780022, MONDO:0008026, OMIM 158600.

Submission:

OLLIN Analises Genomicas, OLLIN
Classification: Uncertain significance for Autosomal dominant childhood-onset proximal spinal muscular atrophy without contractures. Last evaluated: 2026-08-06. Review status: criteria provided, single submitter. Criteria: ACMG Guidelines 2015 PMID 25741868. Collection method: clinical testing. Allele origin: germline. Inheritance: Autosomal dominant inheritance.
Comment: This missense variant, located in exon 78 (of 78), is absent from gnomAD and ClinVar and has not been identified in the literature. In silico analysis predicts that this variant has a tolerated effect. This gene is constrained for missense variation. According to the currently available evidence, this variant has been classified as uncertain significance (PM2_P, PP2, BP4).